The following continues an entry in ClinVar:

NM_000053.4(ATP7B):c.2804C>T (p.Thr935Met)

Gene: ATP7B. ClinVar aggregate classification (germline): Pathogenic/Likely pathogenic. Pathogenic (19); Likely pathogenic (2).

Submissions 14 to 23 of 23:

Color Diagnostics, LLC DBA Color Health
Classification: Pathogenic for Wilson disease. Last evaluated: 2024-02-05. Review status: criteria provided, single submitter. Criteria: ACMG Guidelines, 2015. Collection method: clinical testing. Allele origin: germline.
Comment: This missense variant replaces threonine with methionine at codon 935 of the ATP7B protein. Computational prediction suggests that this variant may have deleterious impact on protein structure and function. This variant alters a conserved threonine residue in the transmembrane helix M3 (a.a. 918 - 946) of the ATP7B protein, a highly conserved region that is considered to be important for ATP7B protein function (PMID: 35245129ClinVar). This variant has been observed in the compound heterozygous and homozygous states in many individuals affected with autosomal recessive Wilson disease (PMID: 9829905, 11405812, 11775208, 14986826, 16649058, 24476933, 26483271, 27022412, 27982432). A functional study has shown the mutant protein to exhibit ATP7B protein function similar to wild type (PMID: 26032686). This observation was thought to be consistent with late disease onset and mild symptoms observed in the carriers (PMID: 26032686). This variant has been identified in 49/280706 chromosomes (46/19536 East Asian chromosomes) in the general population by the Genome Aggregation Database (gnomAD). Based on the available evidence, this variant is classified as Pathogenic.

ARUP Laboratories, Molecular Genetics and Genomics, ARUP Laboratories
Classification: Likely pathogenic for Wilson disease. Last evaluated: 2023-12-22. Review status: criteria provided, single submitter. Criteria: ARUP Molecular Germline Variant Investigation Process 2024. Collection method: clinical testing. Allele origin: germline.
Comment: The ATP7B c.2804C>T; p.Thr935Met variant (rs750019452) is reported in the literature in multiple individuals with Wilson disease who are compound heterozygous with another ATP7B variant (Chen 2014, Chen 2019, Gu 2003, Lepori 2007, Mak 2008, Van Biervliet 2015, Wu 2000). This variant is also reported in ClinVar (Variation ID: 188713). It is observed in the East Asian population with an allele frequency of 0.24% (46/19536 alleles) in the Genome Aggregation Database (v2.1.1). Computational analyses predict that this variant is deleterious (REVEL: 0.842). Based on the above information, this variant is considered to be likely pathogenic. References: Chen L et al. A novel ATP7B gene mutation in a liver failure patient with normal ceruloplasmin and low serum alkaline phosphatase. Gene. 2014 Mar 15;538(1):204-6. Chen YC et al. Contribution of intragenic deletions to mutation spectrum in Chinese patients with Wilson's disease and possible mechanism underlying ATP7B gross deletions. Parkinsonism Relat Disord. 2019 May;62:128-133. Gu YH et al. Mutation spectrum and polymorphisms in ATP7B identified on direct sequencing of all exons in Chinese Han and Hui ethnic patients with Wilson's disease. Clin Genet. 2003 Dec;64(6):479-84. Lepori MB et al. Twenty-four novel mutations in Wilson disease patients of predominantly Italian origin. Genet Test. 2007 Fall;11(3):328-32. Mak CM et al. Mutational analysis of 65 Wilson disease patients in Hong Kong Chinese: identification of 17 novel mutations and its genetic heterogeneity. J Hum Genet. 2008;53(1):55-63. Van Biervliet S et al. Clinical zinc deficiency as early presentation of Wilson disease. J Pediatr Gastroenterol Nutr. 2015 Apr;60(4):457-9. Wu Z et al. Identification and analysis of mutations of the Wilson disease gene in Chinese population. Chin Med J (Engl). 2000 Jan;113(1):40-3.

Genome-Nilou Lab
Classification: Pathogenic for Wilson disease. Last evaluated: 2021-08-10. Review status: criteria provided, single submitter. Criteria: ACMG Guidelines, 2015. Collection method: clinical testing. Allele origin: germline. Affected: no.

Revvity Omics, Revvity
Classification: Pathogenic for Wilson disease. Last evaluated: 2020-11-23. Review status: criteria provided, single submitter. Criteria: ACMG Guidelines, 2015. Collection method: clinical testing. Allele origin: germline.

Laboratory for Molecular Medicine, Mass General Brigham Personalized Medicine
Classification: Pathogenic for Wilson disease. Last evaluated: 2020-03-29. Review status: criteria provided, single submitter. Criteria: LMM Criteria. Collection method: clinical testing. Allele origin: germline. Inheritance: Autosomal recessive inheritance. Observed: 1 variant allele.
Comment: The p.Thr935Met variant in ATP7B has been reported in at least 10 compound heterozygous individuals with clinical features of Wilson disease and is one of the most common variants detected in Asian patients with this disorder (Wu 2001, Gu 2003, and Chen 2014). It has also been reported by other clinical laboratories in ClinVar (Variation ID 188713). This variant has been identified in 0.2% (46/19536) of East Asian chromosomes by gnomAD. Although this variant has been seen in the general population, its frequency is low enough to be consistent with a recessive carrier frequency. In vitro functional studies support an impact on protein function (Zhu 2015) and computational prediction tools and conservation analyses suggest are consistent with pathogenicity. In summary, this variant meets criteria to be classified as pathogenic for autosomal recessive Wilson disease. ACMG/AMP Criteria applied: PM3_VeryStrong, PP3, PS3_Supporting.

Women's Health and Genetics/Laboratory Corporation of America, LabCorp
Classification: Pathogenic for Wilson disease. Last evaluated: 2016-12-21. Review status: criteria provided, single submitter. Criteria: LabCorp Variant Classification Summary - May 2015. Collection method: clinical testing. Allele origin: germline.
Comment: Variant summary: The ATP7B c.2804C>T (p.Thr935Met) variant involves the alteration of a conserved nucleotide and is located in the transmembrane 5 domain of the ATP7B protein, known to be associated with copper excretion (ACMG PM1). 5/5 in silico tools predict a damaging outcome for this variant (ACMG PP3). This variant was found in 22/121398 control chromosomes, predominantly observed in the East Asian subpopulation at a frequency of 0.0023218 (20/8614) which could represent carriers of Wilson Disease (ACMG PM2). This variant has been reported in numerous WD patients both as homozygotes and as compound heterozygotes, mainly of East Asian origin (ACMG PM3). A recently published study reported an odds ratio of 77.044 (95% CI 10.716-553.9) for this variant based on Its prevalence in affected individuals as compared to controls (ACMG PS4). In addition, one clinical diagnostic laboratory classified this variant as likely pathogenic. Functional study with stable transfected CHO cell showed variant with comparable level of CuCl2-induced copper overloading of CHO cells. The influence of ATP7B on copper elimination by variant of interest is minimal, and T935M mutation maintained the subcellular localization or trafficking of ATP7B protein. Taken together, even though the functional effect of variant is not obvious, this variant fulfills the criteria required to be classified as pathogenic.

Juno Genomics, Hangzhou Juno Genomics, Inc
Classification: Pathogenic for Wilson disease. Review status: criteria provided, single submitter. Criteria: ACMG Guidelines, 2015. Collection method: clinical testing. Allele origin: germline.
Comment: Absent from controls (or at extremely low frequency if recessive) in Genome Aggregation Database.;Multiple lines of computational evidence support a deleterious effect on the gene or gene product.;For recessive disorders, detected in trans with a pathogenic variant.;Patient's phenotype or family history is highly specific for a disease with a single genetic etiology.

Kariminejad - Najmabadi Pathology & Genetics Center
Classification: Pathogenic for Wilson disease. Review status: criteria provided, single submitter. Criteria: ACMG Guidelines, 2015. Collection method: clinical testing. Allele origin: germline. Affected: no.

Counsyl
Classification: Likely pathogenic for Wilson's disease. Last evaluated: 2014-03-03. Review status: no assertion criteria provided. Collection method: literature only. Allele origin: unknown. Inheritance: Autosomal recessive inheritance. Not counted in ClinVar's aggregate classification.

Chongqing Key Laboratory of Child Rare Diseases in Infection and Immunity, Children’s Hospital of Chongqing Medical University
Classification: Uncertain significance for Wilson disease. Last evaluated: 2024-01-01. Review status: flagged submission. Criteria: ACMG Guidelines, 2015. Collection method: clinical testing. Allele origin: germline. Inheritance: Autosomal recessive inheritance. Affected: yes. Not counted in ClinVar's aggregate classification.
Comment: Classified as Uncertain significance according to the ACMG/AMP 2015 guidelines (PMID:25741868). The classification was based on the available submitted evidence for Wilson disease (OMIM:277900), including clinical-testing observations, variant consequence/protein annotation, and published or ClinVar evidence where available. Supporting information considered: variant annotation: p.Thr935Met; Missense; Protein domain: P-domain-enriched; submitted notation: NM_000053.4:c.2804C>T (p.Thr935Met); source variant type: Missense; source domain: P-domain-enriched; allele count n=230: 1.
ClinVar note: Reason: Outlier claim with insufficient supporting evidence

Literature cited by the submitters: PubMed 11775208 (cited by 7 submitters); PubMed 14986826 (cited by 7 submitters); PubMed 16649058 (cited by 3 submitters); PubMed 26483271 (cited by 3 submitters); PubMed 27022412 (cited by 5 submitters); PubMed 26032686 (cited by 7 submitters); PubMed 33668890 (cited by 3 submitters); PubMed 11405812 (cited by 6 submitters); PubMed 17680703 (cited by Mayo Clinic Laboratories, Mayo Clinic and Women's Health and Genetics/Laboratory Corporation of America, LabCorp); PubMed 23607698 (cited by Mayo Clinic Laboratories, Mayo Clinic and Counsyl); PubMed 24476933 (cited by 5 submitters); PubMed 27982432 (cited by Mayo Clinic Laboratories, Mayo Clinic and Color Diagnostics, LLC DBA Color Health); PubMed 9829905 (cited by 5 submitters); PubMed 12756138 (cited by All of Us Research Program, National Institutes of Health); PubMed 17949296 (cited by All of Us Research Program, National Institutes of Health and Counsyl); PubMed 18034201 (cited by All of Us Research Program, National Institutes of Health); PubMed 25825851 (cited by All of Us Research Program, National Institutes of Health); PubMed 27398169 (cited by All of Us Research Program, National Institutes of Health); PubMed 27982462 (cited by All of Us Research Program, National Institutes of Health); PubMed 28123513 (cited by All of Us Research Program, National Institutes of Health); PubMed 30655162 (cited by All of Us Research Program, National Institutes of Health); PubMed 35245129 (cited by Color Diagnostics, LLC DBA Color Health); PubMed 10447265 (cited by Women's Health and Genetics/Laboratory Corporation of America, LabCorp); PubMed 22692182 (cited by Counsyl); PubMed 21796144 (cited by Counsyl).